The following is an entry in ClinVar:

ClinVar aggregate classification (germline): Benign (3 of 4 stars; one submission).

Conditions:
Arginine:glycine amidinotransferase deficiency (CCDS3). Also called: Creatine deficiency syndrome due to AGAT deficiency; GATM deficiency; Cerebral creatine deficiency syndrome 3; L-Arginine:Glycine Amidinotransferase (AGAT) Deficiency; AGAT deficiency; L-Arginine:Glycine Amidinotransferase Deficiency. Identifiers: Orphanet 35704, MedGen C2675179, MONDO:0012996, OMIM 612718.

Submission:

ClinGen Cerebral Creatine Deficiency Syndromes Variant Curation Expert Panel, ClinGen
Classification: Benign for Arginine:glycine amidinotransferase deficiency. Last evaluated: 2022-06-06. Review status: reviewed by expert panel. Criteria: ClinGen_CCDS_ACMG_Specifications_GATM_v1.1. Collection method: curation. Allele origin: germline. Inheritance: Autosomal recessive inheritance.
Comment: The NM_001482.3:c.*734_*735insCA variant inserts two nucleotides in the 3'UTR of GATM. Because the variant is located in the 3'UTR, it is not expected to alter the amino acid sequence. The highest population minor allele frequency in gnomAD v2.1.1, in a population with >2000 alleles, is 0.8397 (7277/8666 alleles) in the African population, which is higher than the ClinGen CCDS VCEP’s threshold for BA1 (>0.0005), and therefore meets this criterion (BA1). There is a ClinVar entry for this variant (Variation ID: 316203). In summary, this variant meets the criteria to be classified as benign for AGAT deficiency based on the ACMG/AMP criteria applied, as specified by the ClinGen Cerebral Creatine Deficiency Syndromes Variant Curation Expert Panel (Specifications Version 1.1.0): BA1. (Classification approved by the ClinGen CCDS VCEP on June 6, 2022).

NM_001482.3(GATM):c.*734_*735insCA

Gene: GATM (glycine amidinotransferase; minus strand). Cytogenetic location: 15q21.1.
Variant type: Insertion.
Coding change: c.*734_*735insCA on transcript NM_001482.3 (MANE Select); 734 bases downstream of the stop codon through 735 bases downstream of the stop codon, CA inserted.
Molecular consequence: 3 prime UTR variant.
Genome position: GRCh38 VCF-style: chr15-45361374-C-CTG. GRCh37 (hg19) VCF-style: chr15-45653572-C-CTG.
Other names: c.*734_*735insCA (NM_001321015.2).
Identifiers: ClinVar variation 316203 (VCV000316203.6), dbSNP rs35410548, ClinGen allele CA10636071.